The following is an entry in ClinVar:

ClinVar aggregate classification (germline): Uncertain significance (1 of 4 stars; one submission).

gnomAD v4.1: 6 of 1,613,946 alleles (0.00037%); highest among the groups gnomAD compares: Non-Finnish European, 0.00051%; no homozygotes.

Submission:

Labcorp Genetics (formerly Invitae), Labcorp
Classification: Uncertain significance. Last evaluated: 2025-11-17. Review status: criteria provided, single submitter. Criteria: Invitae Variant Classification Sherloc (09022015). Collection method: clinical testing. Allele origin: germline.
Comment: This sequence change replaces glutamine, which is neutral and polar, with arginine, which is basic and polar, at codon 558 of the INTU protein (p.Gln558Arg). This variant is present in population databases (no rsID available, gnomAD 0.0009%). This variant has not been reported in the literature in individuals affected with INTU-related conditions. Invitae Evidence Modeling of protein sequence and biophysical properties (such as structural, functional, and spatial information, amino acid conservation, physicochemical variation, residue mobility, and thermodynamic stability) indicates that this missense variant is expected to disrupt INTU protein function with a positive predictive value of 80%. In summary, the available evidence is currently insufficient to determine the role of this variant in disease. Therefore, it has been classified as a Variant of Uncertain Significance.

NM_015693.4(INTU):c.1673A>G (p.Gln558Arg)

Gene: INTU (inturned planar cell polarity protein; plus strand). Cytogenetic location: 4q28.1.
Variant type: single nucleotide variant.
Coding change: c.1673A>G on transcript NM_015693.4 (MANE Select); coding-DNA position 1673, A replaced by G.
Protein change: p.Gln558Arg; replaces glutamine 558 with arginine.
Molecular consequence: missense variant.
Genome position (GRCh38, 1-based): chr4:127,705,697, A>G. VCF-style: chr4-127705697-A-G. GRCh37 (hg19) VCF-style: chr4-128626852-A-G.
Other names: short protein forms Q558R.
Identifiers: ClinVar variation 4754718 (VCV004754718.1).